The following is an entry in ClinVar:

ClinVar aggregate classification (germline): Uncertain significance (1 of 4 stars; one submission).

Conditions:
Jeune thoracic dystrophy. Also called: Infantile thoracic dystrophy; Thoracic pelvic phalangeal dystrophy; Jeune's syndrome; Chondroectodermal dysplasia-like syndrome; Short-rib thoracic dysplasia; Jeune syndrome. Identifiers: Orphanet 474, MedGen C0265275, MONDO:0018770.

Submission:

Labcorp Genetics (formerly Invitae), Labcorp
Classification: Uncertain significance for Jeune thoracic dystrophy. Last evaluated: 2023-08-04. Review status: criteria provided, single submitter. Criteria: Invitae Variant Classification Sherloc (09022015). Collection method: clinical testing. Allele origin: germline.
Comment: In summary, the available evidence is currently insufficient to determine the role of this variant in disease. Therefore, it has been classified as a Variant of Uncertain Significance. This sequence change replaces proline, which is neutral and non-polar, with arginine, which is basic and polar, at codon 321 of the DYNC2H1 protein (p.Pro321Arg). This variant is not present in population databases (gnomAD no frequency). This variant has not been reported in the literature in individuals affected with DYNC2H1-related conditions. ClinVar contains an entry for this variant (Variation ID: 1929530). Advanced modeling of protein sequence and biophysical properties (such as structural, functional, and spatial information, amino acid conservation, physicochemical variation, residue mobility, and thermodynamic stability) performed at Invitae indicates that this missense variant is expected to disrupt DYNC2H1 protein function.

NM_001377.3(DYNC2H1):c.962C>G (p.Pro321Arg)

Gene: DYNC2H1 (dynein cytoplasmic 2 heavy chain 1; plus strand). Cytogenetic location: 11q22.3.
Variant type: single nucleotide variant.
Coding change: c.962C>G on transcript NM_001377.3 (MANE Select); coding-DNA position 962, C replaced by G.
Protein change: p.Pro321Arg; replaces proline 321 with arginine.
Molecular consequence: missense variant.
Genome position (GRCh38, 1-based): chr11:103,117,826, C>G. VCF-style: chr11-103117826-C-G. GRCh37 (hg19) VCF-style: chr11-102988555-C-G.
Other names: c.962C>G, p.Pro321Arg (NM_001080463.2); short protein forms P321R.
Identifiers: ClinVar variation 1929530 (VCV001929530.5), dbSNP rs2496802097, ClinGen allele CA382248386.